The following is an entry in ClinVar:

ClinVar aggregate classification (germline): Uncertain significance (1 of 4 stars; one submission).

Conditions:
Atypical glycine encephalopathy. Also called: Glycine encephalopathy with normal serum glycine. Identifiers: Orphanet 289863, MedGen C4310943, MONDO:0015010, OMIM 617301.

Submission:

Baylor Genetics
Classification: Uncertain significance for Atypical glycine encephalopathy. Last evaluated: 2018-02-11. Review status: criteria provided, single submitter. Criteria: ACMG Guidelines, 2015. Collection method: clinical testing. Allele origin: unknown. Affected: yes.
Comment: This variant was determined to be of uncertain significance according to ACMG Guidelines, 2015 [PMID:25741868].

NM_001024845.3(SLC6A9):c.31-6241del

Gene: SLC6A9 (solute carrier family 6 member 9; minus strand). Cytogenetic location: 1p34.1.
Variant type: Deletion.
Coding change: c.31-6241del on transcript NM_001024845.3 (MANE Select); 6241 bases into the intron before coding-DNA position 31, one base deleted (G; older notation c.31-6241delG).
Molecular consequence: intron variant. On other transcripts: frameshift variant (5), non-coding transcript variant (1).
Genome position (GRCh38, 1-based): chr1:44,017,123, C deleted on the plus strand (G on the coding strand, the reverse complement: SLC6A9 is on the minus strand); the first of 2 consecutive C bases (chr1:44,017,123-44,017,124); deleting either gives the same sequence. VCF-style (leftmost placement, unchanged base first): chr1-44017122-TC-T. GRCh37 (hg19) VCF-style: chr1-44482794-TC-T.
Other names: c.11del, p.Gly4fs (NM_001261380.2, NM_006934.4, NM_201649.4); c.48del, p.Arg17fs (NM_001328627.1, NM_001328628.1); c.-15+7125del (NM_001328630.2, NM_001328626.2); c.31-6241del (NM_001328629.1); short protein forms G4fs, R17fs.
Identifiers: ClinVar variation 1031819 (VCV001031819.1), dbSNP rs1460786911, ClinGen allele CA522532484.